The following is an entry in ClinVar:

ClinVar aggregate classification (germline): Uncertain significance (1 of 4 stars; one submission).

Submission:

Labcorp Genetics (formerly Invitae), Labcorp
Classification: Uncertain significance. Last evaluated: 2022-07-28. Review status: criteria provided, single submitter. Criteria: Invitae Variant Classification Sherloc (09022015). Collection method: clinical testing. Allele origin: germline.
Comment: In summary, the available evidence is currently insufficient to determine the role of this variant in disease. Therefore, it has been classified as a Variant of Uncertain Significance. This sequence change falls in intron 32 of the CHD8 gene. It does not directly change the encoded amino acid sequence of the CHD8 protein. It affects a nucleotide within the consensus splice site. This variant is not present in population databases (gnomAD no frequency). This variant has not been reported in the literature in individuals affected with CHD8-related conditions. Variants that disrupt the consensus splice site are a relatively common cause of aberrant splicing (PMID: 17576681, 9536098). Algorithms developed to predict the effect of sequence changes on RNA splicing suggest that this variant may disrupt the consensus splice site.

Literature cited by the submitters: PubMed 17576681; PubMed 9536098.

NM_001170629.2(CHD8):c.6468+4A>G

Gene: CHD8 (chromodomain helicase DNA binding protein 8; minus strand). Cytogenetic location: 14q11.2.
Variant type: single nucleotide variant.
Coding change: c.6468+4A>G on transcript NM_001170629.2 (MANE Select); 4 bases into the intron after coding-DNA position 6468, A replaced by G.
Molecular consequence: intron variant.
Genome position (GRCh38, 1-based): chr14:21,393,102, T>C on the plus strand (A>G on the coding strand, the complement: CHD8 is on the minus strand). VCF-style: chr14-21393102-T-C. GRCh37 (hg19) VCF-style: chr14-21861261-T-C.
Other names: c.5631+4A>G (NM_020920.4).
Identifiers: ClinVar variation 2020045 (VCV002020045.4), dbSNP rs2501853038, ClinGen allele CA2580087847.
Genomic context (GRCh38, chr14:21,393,102, plus strand): 5'-CCCGGATATACTGTTACACTGTATTTCTGGACTCTACATGTCCAGGGATGAGGCTGTTTG[T>C]TACCTTGGGCCACTCAGAGGCTCTTTGTCTTTCCTGCAGTAGCAGAAGCTCAGGGGTCAT-3'